The following is an entry in ClinVar:

NM_001735.3(C5):c.346dup (p.Arg116fs)

Gene: C5 (complement C5; minus strand). Cytogenetic location: 9q33.2.
Variant type: Duplication.
Coding change: c.346dup on transcript NM_001735.3 (MANE Select); coding-DNA position 346, one base duplicated (A; older notation c.346dupA).
Protein change: p.Arg116fs; shifts the reading frame from arginine 116.
Molecular consequence: frameshift variant.
Genome position (GRCh38, 1-based): chr9:121,043,079, T duplicated on the plus strand (A on the coding strand, the reverse complement: C5 is on the minus strand); the first of 5 consecutive T bases (chr9:121,043,079-121,043,083); duplicating any one gives the same sequence. VCF-style (leftmost placement, unchanged base first): chr9-121043078-C-CT. GRCh37 (hg19) VCF-style: chr9-123805356-C-CT.
Other names: p.Arg116Lysfs*7; c.364dup, p.Arg122fs (NM_001317163.2); c.346dup, p.Arg116fs (NM_001317164.2); short protein forms R116fs, R122fs.
Identifiers: ClinVar variation 4886951 (VCV004886951.1).

ClinVar aggregate classification (germline): Likely pathogenic (1 of 4 stars; one submission).

Conditions:
Complement component 5 deficiency. Also called: C5 DEFICIENCY. Identifiers: MedGen C0343047, MONDO:0012295, OMIM 609536.

Submission:

Department of Molecular Genetics, Istishari Arab Hospital
Classification: Likely pathogenic for Complement component 5 deficiency. Last evaluated: 2026-08-27. Review status: criteria provided, single submitter. Criteria: ACMG Guidelines, 2015. Collection method: clinical testing. Allele origin: germline. Inheritance: Autosomal recessive inheritance. Affected: no.
Comment: The C5 variant c.346dup, p.(Arg116Lysfs*7) introduces a frameshift and premature termination codon in exon 3 (of 41 exons). The variant is expected to result in nonsense-mediated transcript decay and loss of C5 function. Loss-of-function variants are an established mechanism of autosomal recessive complement component 5 deficiency. The variant is absent from large population databases. It is classified as likely pathogenic according to the recommendations of the ACMG/AMP/ClinGen SVI guidelines.